The following is an entry in ClinVar:

ClinVar aggregate classification (germline): Likely benign (1 of 4 stars; one submission).

Allele frequency attached by ClinVar (database versions not stated): ExAC 0.00007; TOPMed 0.00011; gnomAD exomes 0.00015; 1000 Genomes Project 30x 0.00016; ESP Exome Variant Server 0.00016; 1000 Genomes Project 0.00020.
gnomAD v4.1: 240 of 1,614,168 alleles (0.015%); highest among the groups gnomAD compares: Non-Finnish European, 0.018%; no homozygotes.

Submission:

CeGaT Center for Human Genetics Tuebingen
Classification: Likely benign. Last evaluated: 2024-02-01. Review status: criteria provided, single submitter. Criteria: CeGaT Center For Human Genetics Tuebingen Variant Classification Criteria Version 2. Collection method: clinical testing. Allele origin: germline. Affected: yes. Observed: 1 variant allele.
Comment: THSD4: BP4, BP7

NM_024817.3(THSD4):c.714G>A (p.Ala238=)

Gene: THSD4 (thrombospondin type 1 domain containing 4; plus strand). Cytogenetic location: 15q23.
Variant type: single nucleotide variant.
Coding change: c.714G>A on transcript NM_024817.3 (MANE Select); coding-DNA position 714, G replaced by A.
Protein change: p.Ala238=; no amino-acid change (alanine 238 retained).
Molecular consequence: synonymous variant.
Genome position (GRCh38, 1-based): chr15:71,242,898, G>A. VCF-style: chr15-71242898-G-A. GRCh37 (hg19) VCF-style: chr15-71535237-G-A.
Other names: c.714G>A, p.Ala238= (NM_001394532.1).
Identifiers: ClinVar variation 3026244 (VCV003026244.22), dbSNP rs377400944, ClinGen allele CA7639100.
Genomic context (GRCh38, chr15:71,242,898, plus strand): 5'-CCCCCAACATGGGCCTTTGTACCAAAGTGACAGTGGCCCTCGCTCTGGACTGCAGGCTGC[G>A]GAGGCCCCCATCTACCAGCTACCTTTGACCCATGATCAAGGCTACCCTGCAGCTTCAAGT-3'
Protein context (NP_079093.2, residues 228-248): DSGPRSGLQA[Ala238=]EAPIYQLPLT